The following is an entry in ClinVar:

NM_001379451.1(BCORL1):c.4000_4009del (p.Arg1334fs)

Gene: BCORL1 (BCL6 corepressor like 1; plus strand). Cytogenetic location: Xq26.1.
Variant type: Deletion.
Coding change: c.4000_4009del on transcript NM_001379451.1 (MANE Select); coding-DNA positions 4000 to 4009, 10 bases deleted (CGGCAGAAGA; older notation c.4000_4009delCGGCAGAAGA).
Protein change: p.Arg1334fs; shifts the reading frame from arginine 1334.
Molecular consequence: frameshift variant.
Genome position (GRCh38, 1-based): chrX:130,025,301-130,025,310, CGGCAGAAGA deleted; deleting any 10 consecutive bases within chrX:130,025,296-130,025,310 gives the same sequence; the c. name uses the placement nearest the transcript's 3' end. VCF-style (leftmost placement, unchanged base first): chrX-130025295-CGAAGACGGCA-C. GRCh37 (hg19) VCF-style: chrX-129159270-CGAAGACGGCA-C.
Other names: c.4000_4009del, p.Arg1334fs (NM_001184772.3, NM_001379450.1, NM_021946.5); c.4000_4009delCGGCAGAAGA, p.Arg1334Alafs (NM_021946.4); short protein forms R1334fs.
Identifiers: ClinVar variation 3893414 (VCV003893414.1).
Genomic context (GRCh38, chrX:130,025,295, plus strand): 5'-TGGGACACCAATGAGGAGGAGGAGGAAGAAGAGGAGGAGGGCCTGCTGAAGAGGAAGAAA[CGAAGACGGCA>C]GAAGAGCCGAAAATATCAGACTGGGGAGTACCTGACAGAGCAAGAAGACGAGCAGCGGCG-3'

ClinVar aggregate classification (germline): Uncertain significance (1 of 4 stars; one submission).

Submission:

GeneDx
Classification: Uncertain significance. Last evaluated: 2024-10-24. Review status: criteria provided, single submitter. Criteria: GeneDx Variant Classification Process June 2021. Collection method: clinical testing. Allele origin: germline. Affected: yes.
Comment: Frameshift variant predicted to result in protein truncation or nonsense mediated decay in a gene or region of a gene for which loss of function is not a well-established mechanism of disease; Not observed at significant frequency in large population cohorts (gnomAD); Has not been previously published as pathogenic or benign to our knowledge